The following is an entry in ClinVar:

ClinVar aggregate classification (germline): Uncertain significance. Review status: criteria provided, multiple submitters, no conflicts (2 of 4 stars). 7 submissions from 7 submitters: Uncertain significance (5). 2 of the submissions do not count toward it. Last evaluated 2026-06-15.

Conditions:
Cardiovascular phenotype. Identifiers: MedGen CN230736.
Danon disease. Also called: ANTOPOL DISEASE; Glycogen Storage Disease Type IIb; PSEUDOGLYCOGENOSIS II; GSD IIb; LYSOSOMAL GLYCOGEN STORAGE DISEASE WITHOUT ACID MALTASE DEFICIENCY. Identifiers: Orphanet 34587, MedGen C0878677, MONDO:0010281, OMIM 300257.

Allele frequency attached by ClinVar (database versions not stated): gnomAD 0.00013 and 0.00015; 1000 Genomes Project 30x 0.00042; gnomAD exomes 0.00003; TOPMed 0.00014; ExAC 0.00001; 1000 Genomes Project 0.00026.
gnomAD v4.1: 43 of 1,100,297 alleles (0.0039%); highest among the groups gnomAD compares: African/African-American, 0.06%; no homozygotes.

Submissions (7):

Ambry Genetics
Classification: Uncertain significance for Cardiovascular phenotype. Last evaluated: 2026-06-15. Review status: criteria provided, single submitter. Criteria: Ambry Variant Classification Scheme 2023. Collection method: clinical testing. Allele origin: germline.

Labcorp Genetics (formerly Invitae), Labcorp
Classification: Uncertain significance for Danon disease. Last evaluated: 2026-01-27. Review status: criteria provided, single submitter. Criteria: Invitae Variant Classification Sherloc (09022015). Collection method: clinical testing. Allele origin: germline.
Comment: This sequence change replaces arginine, which is basic and polar, with tryptophan, which is neutral and slightly polar, at codon 25 of the LAMP2 protein (p.Arg25Trp). The frequency data for this variant in the population databases is considered unreliable, as metrics indicate poor data quality at this position in the gnomAD database. This missense change has been observed in individual(s) with sudden unexplained death (PMID: 29915097). ClinVar contains an entry for this variant (Variation ID: 180868). An algorithm developed to predict the effect of missense changes on protein structure and function (PolyPhen-2) suggests that this variant is likely to be disruptive. In summary, the available evidence is currently insufficient to determine the role of this variant in disease. Therefore, it has been classified as a Variant of Uncertain Significance.

Women's Health and Genetics/Laboratory Corporation of America, LabCorp
Classification: Uncertain significance. Last evaluated: 2024-01-12. Review status: criteria provided, single submitter. Criteria: LabCorp Variant Classification Summary - May 2015. Collection method: clinical testing. Allele origin: germline.
Comment: Variant summary: LAMP2 c.73C>T (p.Arg25Trp) results in a non-conservative amino acid change in the encoded protein sequence. Three of five in-silico tools predict a damaging effect of the variant on protein function. The variant allele was found at a frequency of 3e-05 in 169128 control chromosomes (gnomAD). The available data on variant occurrences in the general population are insufficient to allow any conclusion about variant significance. c.73C>T has been reported in the literature in an individual affected with sudden unexplained death (Shanks_2018). This report does not provide unequivocal conclusions about association of the variant with Danon Disease. To our knowledge, no experimental evidence demonstrating an impact on protein function has been reported. The following publication has been ascertained in the context of this evaluation (PMID: 29915097). ClinVar contains an entry for this variant (Variation ID: 180868). Based on the evidence outlined above, the variant was classified as uncertain significance.

GeneDx
Classification: Uncertain significance. Last evaluated: 2023-05-15. Review status: criteria provided, single submitter. Criteria: GeneDx Variant Classification Process June 2021. Collection method: clinical testing. Allele origin: germline. Affected: yes.
Comment: Identified in a patient with sudden unexplained death and negative autopsy findings in the published literature (Shanks et al., 2018); In silico analysis supports that this missense variant has a deleterious effect on protein structure/function; This variant is associated with the following publications: (PMID: 29915097)

Fulgent Genetics
Classification: Uncertain significance for Danon disease. Last evaluated: 2021-07-08. Review status: criteria provided, single submitter. Criteria: ACMG Guidelines, 2015. Collection method: clinical testing. Allele origin: unknown.

Clinical Genetics, Academic Medical Center
Classification: Uncertain significance. Review status: no assertion criteria provided. Collection method: clinical testing. Allele origin: germline. Affected: yes. Study: VKGL Data-share Consensus. Not counted in ClinVar's aggregate classification.

Genome Diagnostics Laboratory, University Medical Center Utrecht
Classification: Uncertain significance. Review status: no assertion criteria provided. Collection method: clinical testing. Allele origin: germline. Affected: yes. Study: VKGL Data-share Consensus. Not counted in ClinVar's aggregate classification.

Literature cited by the submitters: PubMed 29915097 (cited by Labcorp Genetics (formerly Invitae), Labcorp and Women's Health and Genetics/Laboratory Corporation of America, LabCorp).

NM_002294.3(LAMP2):c.73C>T (p.Arg25Trp)

Gene: LAMP2 (lysosome associated membrane protein 2; minus strand). Cytogenetic location: Xq24.
Variant type: single nucleotide variant.
Coding change: c.73C>T on transcript NM_002294.3 (MANE Select); coding-DNA position 73, C replaced by T.
Protein change: p.Arg25Trp; replaces arginine 25 with tryptophan.
Molecular consequence: missense variant.
Genome position (GRCh38, 1-based): chrX:120,456,761, G>A on the plus strand (C>T on the coding strand, the complement: LAMP2 is on the minus strand). VCF-style: chrX-120456761-G-A. GRCh37 (hg19) VCF-style: chrX-119590616-G-A.
Other names: p.R25W:CGG>TGG; c.73C>T, p.Arg25Trp (NM_001122606.1, NM_013995.2); short protein forms R25W.
Identifiers: ClinVar variation 180868 (VCV000180868.21), dbSNP rs730880478, ClinGen allele CA333632.